The following is an entry in ClinVar:

ClinVar aggregate classification (germline): Uncertain significance (1 of 4 stars; one submission).

Allele frequency attached by ClinVar (database versions not stated): gnomAD exomes 0.00001.
gnomAD v4.1: 2 of 1,301,130 alleles (0.00015%); highest among the groups gnomAD compares: African/African-American, 0.0016%; no homozygotes.

Submission:

Labcorp Genetics (formerly Invitae), Labcorp
Classification: Uncertain significance. Last evaluated: 2022-11-28. Review status: criteria provided, single submitter. Criteria: Invitae Variant Classification Sherloc (09022015). Collection method: clinical testing. Allele origin: germline.
Comment: ClinVar contains an entry for this variant (Variation ID: 1358050). Experimental studies and prediction algorithms are not available or were not evaluated, and the functional significance of this variant is currently unknown. In summary, the available evidence is currently insufficient to determine the role of this variant in disease. Therefore, it has been classified as a Variant of Uncertain Significance. This variant has not been reported in the literature in individuals affected with COL18A1-related conditions. This sequence change replaces proline, which is neutral and non-polar, with serine, which is neutral and polar, at codon 6 of the COL18A1 protein (p.Pro6Ser). This variant is not present in population databases (gnomAD no frequency).

NM_001379500.1(COL18A1):c.16C>T (p.Pro6Ser)

Genes: BNAT1 (breast cancer associated ESR1 regulating natural antisense transcript 1; minus strand), COL18A1 (collagen type XVIII alpha 1 chain; plus strand). Cytogenetic location: 21q22.3.
Variant type: single nucleotide variant.
Coding change: c.16C>T on transcript NM_001379500.1 (MANE Select); coding-DNA position 16, C replaced by T.
Protein change: p.Pro6Ser; replaces proline 6 with serine.
Molecular consequence: missense variant.
Genome position (GRCh38, 1-based): chr21:45,405,383, C>T. VCF-style: chr21-45405383-C-T. GRCh37 (hg19) VCF-style: chr21-46825298-C-T.
Other names: short protein forms P6S.
Identifiers: ClinVar variation 1358050 (VCV001358050.6), dbSNP rs1347058933, ClinGen allele CA410620266.